The following is an entry in ClinVar:

ClinVar aggregate classification (germline): Uncertain significance (1 of 4 stars; one submission).

Conditions:
Rhabdoid tumor predisposition syndrome 2 (RTPS2). Identifiers: Orphanet 231108, Orphanet 69077, MedGen C2750074, MONDO:0013224, OMIM 613325.

Submission:

Labcorp Genetics (formerly Invitae), Labcorp
Classification: Uncertain significance for Rhabdoid tumor predisposition syndrome 2. Last evaluated: 2022-11-28. Review status: criteria provided, single submitter. Criteria: Invitae Variant Classification Sherloc (09022015). Collection method: clinical testing. Allele origin: germline.
Comment: Advanced modeling of protein sequence and biophysical properties (such as structural, functional, and spatial information, amino acid conservation, physicochemical variation, residue mobility, and thermodynamic stability) performed at Invitae indicates that this missense variant is not expected to disrupt SMARCA4 protein function. This sequence change replaces glutamic acid, which is acidic and polar, with lysine, which is basic and polar, at codon 672 of the SMARCA4 protein (p.Glu672Lys). This variant is not present in population databases (gnomAD no frequency). This variant has not been reported in the literature in individuals affected with SMARCA4-related conditions. ClinVar contains an entry for this variant (Variation ID: 999057). In summary, the available evidence is currently insufficient to determine the role of this variant in disease. Therefore, it has been classified as a Variant of Uncertain Significance.

NM_003072.5(SMARCA4):c.2014G>A (p.Glu672Lys)

Gene: SMARCA4 (SWI/SNF related BAF chromatin remodeling complex subunit ATPase 4; plus strand). Cytogenetic location: 19p13.2.
Variant type: single nucleotide variant.
Coding change: c.2014G>A on transcript NM_003072.5 (MANE Select); coding-DNA position 2014, G replaced by A.
Protein change: p.Glu672Lys; replaces glutamic acid 672 with lysine.
Molecular consequence: missense variant. On other transcripts: non-coding transcript variant (1).
Genome position (GRCh38, 1-based): chr19:11,007,914, G>A. VCF-style: chr19-11007914-G-A. GRCh37 (hg19) VCF-style: chr19-11118590-G-A.
Other names: c.2014G>A, p.Glu672Lys (NM_001128844.3, NM_001128845.2, NM_001128846.2 and 4 more transcripts); short protein forms E672K.
Identifiers: ClinVar variation 999057 (VCV000999057.8), dbSNP rs2088394203, ClinGen allele CA404052390.